The following is an entry in ClinVar:

ClinVar aggregate classification (germline): Uncertain significance. Review status: criteria provided, multiple submitters, no conflicts (2 of 4 stars). 2 submissions from 2 submitters: Uncertain significance (2). Last evaluated 2025-04-22.

Allele frequency attached by ClinVar (database versions not stated): gnomAD exomes below 0.00001; ExAC 0.00001.
gnomAD v4.1: 4 of 1,613,884 alleles (0.00025%); highest among the groups gnomAD compares: South Asian, 0.0011%; no homozygotes.

Submissions (2):

Ambry Genetics
Classification: Uncertain significance. Last evaluated: 2025-04-22. Review status: criteria provided, single submitter. Criteria: Ambry Variant Classification Scheme 2023. Collection method: clinical testing. Allele origin: germline.
Comment: The p.I251T variant (also known as c.752T>C), located in coding exon 6 of the RECQL gene, results from a T to C substitution at nucleotide position 752. The isoleucine at codon 251 is replaced by threonine, an amino acid with similar properties. This amino acid position is conserved. In addition, the in silico prediction for this alteration is inconclusive. Based on the available evidence, the clinical significance of this variant remains unclear.

Labcorp Genetics (formerly Invitae), Labcorp
Classification: Uncertain significance. Last evaluated: 2022-08-10. Review status: criteria provided, single submitter. Criteria: Invitae Variant Classification Sherloc (09022015). Collection method: clinical testing. Allele origin: germline.
Comment: In summary, the available evidence is currently insufficient to determine the role of this variant in disease. Therefore, it has been classified as a Variant of Uncertain Significance. Algorithms developed to predict the effect of missense changes on protein structure and function (SIFT, PolyPhen-2, Align-GVGD) all suggest that this variant is likely to be disruptive. This variant has not been reported in the literature in individuals affected with RECQL-related conditions. This variant is present in population databases (rs754144646, gnomAD 0.0009%). This sequence change replaces isoleucine, which is neutral and non-polar, with threonine, which is neutral and polar, at codon 251 of the RECQL protein (p.Ile251Thr).

NM_002907.4(RECQL):c.752T>C (p.Ile251Thr)

Gene: RECQL (RecQ like helicase; minus strand). Cytogenetic location: 12p12.1.
Variant type: single nucleotide variant.
Coding change: c.752T>C on transcript NM_002907.4 (MANE Select); coding-DNA position 752, T replaced by C.
Protein change: p.Ile251Thr; replaces isoleucine 251 with threonine.
Molecular consequence: missense variant.
Genome position (GRCh38, 1-based): chr12:21,477,918, A>G on the plus strand (T>C on the coding strand, the complement: RECQL is on the minus strand). VCF-style: chr12-21477918-A-G. GRCh37 (hg19) VCF-style: chr12-21630852-A-G.
Other names: c.752T>C, p.Ile251Thr (NM_032941.3); c.752T>C (NM_002907.3); short protein forms I251T.
Identifiers: ClinVar variation 2183825 (VCV002183825.5), dbSNP rs754144646, ClinGen allele CA6478979.